The following is an entry in ClinVar:

NM_004453.4(ETFDH):c.256C>T (p.Arg86Cys)

Gene: ETFDH (electron transfer flavoprotein dehydrogenase; plus strand). Cytogenetic location: 4q32.1.
Variant type: single nucleotide variant.
Coding change: c.256C>T on transcript NM_004453.4 (MANE Select); coding-DNA position 256, C replaced by T.
Protein change: p.Arg86Cys; replaces arginine 86 with cysteine.
Molecular consequence: missense variant.
Genome position (GRCh38, 1-based): chr4:158,682,275, C>T. VCF-style: chr4-158682275-C-T. GRCh37 (hg19) VCF-style: chr4-159603427-C-T.
Other names: c.115C>T, p.Arg39Cys (NM_001281737.2); c.73C>T, p.Arg25Cys (NM_001281738.1); short protein forms R25C, R86C, R39C.
Identifiers: ClinVar variation 1042612 (VCV001042612.10), dbSNP rs1242099513, ClinGen allele CA358574042.

ClinVar aggregate classification (germline): Uncertain significance. Review status: criteria provided, single submitter (1 of 4 stars). 2 submissions from 2 submitters: Uncertain significance (1). 1 of the submissions does not count toward it. Last evaluated 2020-01-31.

Conditions:
Multiple acyl-CoA dehydrogenase deficiency (MADD). Also called: Glutaric aciduria, type 2; Glutaric acidemia type II; GA 2; ETHYLMALONIC-ADIPICACIDURIA; GA II; Glutaric Acidemia type 2. Identifiers: Orphanet 26791, MedGen C0268596, MONDO:0009282, OMIM 231680.
Glutaric acidemia type 2C.

Allele frequency attached by ClinVar (database versions not stated): gnomAD exomes 0.00001.

Submissions (2):

Labcorp Genetics (formerly Invitae), Labcorp
Classification: Uncertain significance for Multiple acyl-CoA dehydrogenase deficiency. Last evaluated: 2020-01-31. Review status: criteria provided, single submitter. Criteria: Invitae Variant Classification Sherloc (09022015). Collection method: clinical testing. Allele origin: germline.
Comment: This sequence change replaces arginine with cysteine at codon 86 of the ETFDH protein (p.Arg86Cys). The arginine residue is highly conserved and there is a large physicochemical difference between arginine and cysteine. This variant is not present in population databases (ExAC no frequency). This variant has been observed in an individual with multiple acyl-coenzyme A dehydrogenation deficiency (PMID: 23628458). Algorithms developed to predict the effect of missense changes on protein structure and function are either unavailable or do not agree on the potential impact of this missense change (SIFT: "Deleterious"; PolyPhen-2: "Probably Damaging"; Align-GVGD: "Class C0"). In summary, the available evidence is currently insufficient to determine the role of this variant in disease. Therefore, it has been classified as a Variant of Uncertain Significance.

Natera, Inc.
Classification: Uncertain significance for Glutaric acidemia type 2C. Last evaluated: 2020-07-21. Review status: no assertion criteria provided. Collection method: clinical testing. Allele origin: germline. Not counted in ClinVar's aggregate classification.

Literature cited by the submitters: PubMed 23628458 (cited by Labcorp Genetics (formerly Invitae), Labcorp).